The following is an entry in ClinVar:

ClinVar aggregate classification (germline): Uncertain significance. Review status: criteria provided, multiple submitters, no conflicts (2 of 4 stars). 2 submissions from 2 submitters: Uncertain significance (2). Last evaluated 2025-11-20.

Conditions:
Inborn genetic diseases. Identifiers: MedGen C0950123, MeSH D030342.

Allele frequency attached by ClinVar (database versions not stated): TOPMed 0.00002; ExAC 0.00004; gnomAD 0.00002; gnomAD exomes 0.00004; ESP Exome Variant Server 0.00008.
gnomAD v4.1: 63 of 1,613,730 alleles (0.0039%); highest among the groups gnomAD compares: South Asian, 0.0066%; no homozygotes.

Submissions (2):

Ambry Genetics
Classification: Uncertain significance for Inborn genetic diseases. Last evaluated: 2025-11-20. Review status: criteria provided, single submitter. Criteria: Ambry Variant Classification Scheme 2023. Collection method: clinical testing. Allele origin: germline.

Labcorp Genetics (formerly Invitae), Labcorp
Classification: Uncertain significance. Last evaluated: 2022-06-05. Review status: criteria provided, single submitter. Criteria: Invitae Variant Classification Sherloc (09022015). Collection method: clinical testing. Allele origin: germline.
Comment: This sequence change replaces valine, which is neutral and non-polar, with methionine, which is neutral and non-polar, at codon 4 of the LPIN1 protein (p.Val4Met). The frequency data for this variant in the population databases is considered unreliable, as metrics indicate poor data quality at this position in the gnomAD database. This variant has not been reported in the literature in individuals affected with LPIN1-related conditions. Algorithms developed to predict the effect of missense changes on protein structure and function are either unavailable or do not agree on the potential impact of this missense change (SIFT: "Deleterious"; PolyPhen-2: "Probably Damaging"; Align-GVGD: "Class C0"). In summary, the available evidence is currently insufficient to determine the role of this variant in disease. Therefore, it has been classified as a Variant of Uncertain Significance.

NM_001349206.2(LPIN1):c.10G>A (p.Val4Met)

Gene: LPIN1 (lipin 1; plus strand). Cytogenetic location: 2p25.1.
Variant type: single nucleotide variant.
Coding change: c.10G>A on transcript NM_001349206.2 (MANE Select); coding-DNA position 10, G replaced by A.
Protein change: p.Val4Met; replaces valine 4 with methionine.
Molecular consequence: missense variant. On other transcripts: non-coding transcript variant (1).
Genome position (GRCh38, 1-based): chr2:11,765,551, G>A. VCF-style: chr2-11765551-G-A. GRCh37 (hg19) VCF-style: chr2-11905677-G-A.
Other names: c.28G>A, p.Val10Met (NM_001261427.3); c.157G>A, p.Val53Met (NM_001261428.3, NM_001349208.2); c.10G>A, p.Val4Met (NM_001349199.2, NM_001349200.2, NM_001349201.2 and 5 more transcripts); c.100G>A, p.Val34Met (NM_001349207.2); c.10G>A (NM_145693.1); short protein forms V34M, V53M, V10M, V4M.
Identifiers: ClinVar variation 2197083 (VCV002197083.3), dbSNP rs367756216, ClinGen allele CA1533321.
Genomic context (GRCh38, chr2:11,765,551, plus strand): 5'-TAATTGTGTGTCTGTGTGTGTTTTTTTTTGTCTGTTTTCCAGGTGCAGACCATGAATTAC[G>A]TGGGGCAGTTAGCCGGCCAGGTGTTTGTCACCGTGAAGGAGCTCTACAAGGGGCTGAATC-3'
Protein context (NP_001336135.1, residues 1-14): MNY[Val4Met]GQLAGQVFVT